The following is an entry in ClinVar:

ClinVar aggregate classification (germline): Benign. Review status: criteria provided, multiple submitters, no conflicts (2 of 4 stars). 2 submissions from 2 submitters: Benign (2). Last evaluated 2018-06-16.

Allele frequency attached by ClinVar (database versions not stated): gnomAD 0.03335 and 0.03773; TOPMed 0.03865; gnomAD exomes 0.03955; 1000 Genomes Project 30x 0.06246; 1000 Genomes Project 0.06510.
gnomAD v4.1: 31,381 of 803,316 alleles (3.9%); highest among the groups gnomAD compares: Admixed American, 16%; 1,534 homozygotes.

Submissions (2):

GeneDx
Classification: Benign. Last evaluated: 2018-06-16. Review status: criteria provided, single submitter. Criteria: GeneDx Variant Classification (06012015). Collection method: clinical testing. Allele origin: germline. Affected: yes.
Comment: This variant is considered likely benign or benign based on one or more of the following criteria: it is a conservative change, it occurs at a poorly conserved position in the protein, it is predicted to be benign by multiple in silico algorithms, and/or has population frequency not consistent with disease.

Breakthrough Genomics
Classification: Benign. Review status: criteria provided, single submitter. Criteria: ACMG Guidelines, 2015. Collection method: not provided. Allele origin: germline. Inheritance: Autosomal recessive inheritance. Affected: yes.

NM_001267550.2(TTN):c.4209-180A>G

Genes: TTN (titin; minus strand), LOC101927055 (uncharacterized LOC101927055; plus strand). Cytogenetic location: 2q31.2.
Variant type: single nucleotide variant.
Coding change: c.4209-180A>G on transcript NM_001267550.2 (MANE Select); 180 bases into the intron before coding-DNA position 4209, A replaced by G.
Molecular consequence: intron variant. On other transcripts: non-coding transcript variant (1).
Genome position (GRCh38, 1-based): chr2:178,778,155, T>C on the plus strand (A>G on the coding strand, the complement: TTN is on the minus strand). VCF-style: chr2-178778155-T-C. GRCh37 (hg19) VCF-style: chr2-179642882-T-C.
Other names: c.4209-180A>G (NM_001256850.1, NM_133378.4, NM_133379.5); c.4071-180A>G (NM_003319.4, NM_133437.4, NM_133432.3).
Identifiers: ClinVar variation 674599 (VCV000674599.2), dbSNP rs140462764, ClinGen allele CA11260891.